The following is an entry in ClinVar:

ClinVar aggregate classification (germline): Uncertain significance. Review status: criteria provided, multiple submitters, no conflicts (2 of 4 stars). 2 submissions from 2 submitters: Uncertain significance (2). Last evaluated 2023-12-07.

Conditions:
Insulin-dependent diabetes mellitus secretory diarrhea syndrome (IPEX). Also called: X-Linked Autoimmunity-Allergic Dysregulation Syndrome; Immunodeficiency, Polyendocrinopathy, and Enteropathy X-Linked Syndrome; X-Linked Syndrome of Polyendocrinopathy, Immune Dysfunction, and Diarrhea; DIABETES MELLITUS, CONGENITAL INSULIN-DEPENDENT, WITH FATAL SECRETORY DIARRHEA; DIARRHEA, POLYENDOCRINOPATHY, FATAL INFECTION SYNDROME, X-LINKED; ENTEROPATHY, AUTOIMMUNE, WITH HEMOLYTIC ANEMIA AND POLYENDOCRINOPATHY. Identifiers: Orphanet 37042, MedGen C0342288, MONDO:0010580, OMIM 304790. Disease mechanism: loss of function.
Inborn genetic diseases. Identifiers: MedGen C0950123, MeSH D030342.

Allele frequency attached by ClinVar (database versions not stated): TOPMed below 0.00001; gnomAD 0.00001.
gnomAD v4.1: 2 of 1,148,312 alleles (0.00017%); highest among the groups gnomAD compares: Non-Finnish European, 0.00023%; no homozygotes.

Submissions (2):

Ambry Genetics
Classification: Uncertain significance for Inborn genetic diseases. Last evaluated: 2023-12-07. Review status: criteria provided, single submitter. Criteria: Ambry Variant Classification Scheme 2023. Collection method: clinical testing. Allele origin: germline.

Labcorp Genetics (formerly Invitae), Labcorp
Classification: Uncertain significance for Insulin-dependent diabetes mellitus secretory diarrhea syndrome. Last evaluated: 2023-02-16. Review status: criteria provided, single submitter. Criteria: Invitae Variant Classification Sherloc (09022015). Collection method: clinical testing. Allele origin: germline.
Comment: In summary, the available evidence is currently insufficient to determine the role of this variant in disease. Therefore, it has been classified as a Variant of Uncertain Significance. This sequence change replaces threonine, which is neutral and polar, with isoleucine, which is neutral and non-polar, at codon 136 of the FOXP3 protein (p.Thr136Ile). This variant is not present in population databases (gnomAD no frequency). This variant has not been reported in the literature in individuals affected with FOXP3-related conditions. Advanced modeling of protein sequence and biophysical properties (such as structural, functional, and spatial information, amino acid conservation, physicochemical variation, residue mobility, and thermodynamic stability) performed at Invitae indicates that this missense variant is not expected to disrupt FOXP3 protein function.

NM_014009.4(FOXP3):c.407C>T (p.Thr136Ile)

Gene: FOXP3 (forkhead box P3; minus strand). Cytogenetic location: Xp11.23.
Variant type: single nucleotide variant.
Coding change: c.407C>T on transcript NM_014009.4 (MANE Select); coding-DNA position 407, C replaced by T.
Protein change: p.Thr136Ile; replaces threonine 136 with isoleucine.
Molecular consequence: missense variant.
Genome position (GRCh38, 1-based): chrX:49,257,474, G>A on the plus strand (C>T on the coding strand, the complement: FOXP3 is on the minus strand). VCF-style: chrX-49257474-G-A. GRCh37 (hg19) VCF-style: chrX-49113931-G-A.
Other names: c.302C>T, p.Thr101Ile (NM_001114377.2); short protein forms T136I, T101I.
Identifiers: ClinVar variation 2837990 (VCV002837990.4), dbSNP rs1255528846, ClinGen allele CA412952896.
Genomic context (GRCh38, chrX:49,257,474, plus strand): 5'-GCTGAGGTGTTACCAGGTGGGAGGCCAGGCCGGGCCTTGAGGGAGAAGACCCCAGTGGCG[G>A]TGGTGGGTGGTGTGAGGCTGATCATGGCTGGGCTCTCCAGGGGGTGCACCTGCAGCACAG-3'
Protein context (NP_054728.2, residues 126-146): PAMISLTPPT[Thr136Ile]ATGVFSLKAR